The following is an entry in ClinVar:

NM_032793.5(MFSD2A):c.497C>T (p.Ser166Leu)

Gene: MFSD2A (MFSD2 lysolipid transporter A, lysophospholipid; plus strand). Cytogenetic location: 1p34.2.
Variant type: single nucleotide variant.
Coding change: c.497C>T on transcript NM_032793.5 (MANE Select); coding-DNA position 497, C replaced by T.
Protein change: p.Ser166Leu; replaces serine 166 with leucine.
Molecular consequence: missense variant. On other transcripts: non-coding transcript variant (1).
Genome position (GRCh38, 1-based): chr1:39,965,490, C>T. VCF-style: chr1-39965490-C-T. GRCh37 (hg19) VCF-style: chr1-40431162-C-T.
Other names: c.536C>T (NM_001136493.2); c.536C>T, p.Ser179Leu (NM_001136493.3); c.29C>T, p.Ser10Leu (NM_001287808.2); c.386C>T, p.Ser129Leu (NM_001287809.2); c.491C>T, p.Ser164Leu (NM_001349821.2); c.497C>T, p.Ser166Leu (NM_001349822.2); c.152C>T, p.Ser51Leu (NM_001349823.2); short protein forms S166L, S179L, S10L, S129L, S164L, S51L.
Identifiers: ClinVar variation 372261 (VCV000372261.9), dbSNP rs1057517689, ClinGen allele CA16042267.

ClinVar aggregate classification (germline): Conflicting classifications of pathogenicity. Review status: criteria provided, conflicting classifications (1 of 4 stars). 3 submissions from 3 submitters: Likely pathogenic (1); Uncertain significance (1). 1 of the submissions does not count toward it. Last evaluated 2024-10-24.

Conditions:
Microcephaly 15, primary, autosomal recessive (NEDMISBA). Also called: NEURODEVELOPMENTAL DISORDER WITH PROGRESSIVE MICROCEPHALY, SPASTICITY, AND BRAIN IMAGING ABNORMALITIES. Identifiers: Orphanet 2512, MedGen C4225310, MONDO:0014660, OMIM 616486.

Allele frequency attached by ClinVar (database versions not stated): gnomAD exomes below 0.00001 and 0.00001; gnomAD 0.00001; TOPMed 0.00001.
gnomAD v4.1: 11 of 1,613,964 alleles (0.00068%); highest among the groups gnomAD compares: African/African-American, 0.0027%; no homozygotes.

Submissions (3):

Labcorp Genetics (formerly Invitae), Labcorp
Classification: Uncertain significance. Last evaluated: 2024-10-24. Review status: criteria provided, single submitter. Criteria: Invitae Variant Classification Sherloc (09022015). Collection method: clinical testing. Allele origin: germline.
Comment: This sequence change replaces serine, which is neutral and polar, with leucine, which is neutral and non-polar, at codon 179 of the MFSD2A protein (p.Ser179Leu). This variant is present in population databases (no rsID available, gnomAD 0.004%). This missense change has been observed in individual(s) with MFSD2A-related conditions (PMID: 26005868). This variant is also known as p.Ser166Leu. ClinVar contains an entry for this variant (Variation ID: 372261). Invitae Evidence Modeling of protein sequence and biophysical properties (such as structural, functional, and spatial information, amino acid conservation, physicochemical variation, residue mobility, and thermodynamic stability) indicates that this missense variant is not expected to disrupt MFSD2A protein function with a negative predictive value of 80%. Experimental studies have shown that this missense change affects MFSD2A function (PMID: 26005868). In summary, the available evidence is currently insufficient to determine the role of this variant in disease. Therefore, it has been classified as a Variant of Uncertain Significance.

GeneDx
Classification: Likely pathogenic. Last evaluated: 2024-09-18. Review status: criteria provided, single submitter. Criteria: GeneDx Variant Classification Process June 2021. Collection method: clinical testing. Allele origin: germline. Affected: yes.
Comment: Published functional studies demonstrate a damaging effect on LPC-lipid transport and blood-brain barrier function (PMID: 26005868); In silico analysis supports that this missense variant has a deleterious effect on protein structure/function; This variant is associated with the following publications: (PMID: 31589614, 26005868)

OMIM
Classification: Pathogenic for NEURODEVELOPMENTAL DISORDER WITH PROGRESSIVE MICROCEPHALY, SPASTICITY, AND BRAIN IMAGING ABNORMALITIES. Last evaluated: 2020-09-11. Review status: no assertion criteria provided. Collection method: literature only. Allele origin: germline. Not counted in ClinVar's aggregate classification.

Literature cited by the submitters: PubMed 26005868 (cited by Labcorp Genetics (formerly Invitae), Labcorp and OMIM).